The following is an entry in ClinVar:

NM_022124.6(CDH23):c.5434G>C (p.Glu1812Gln)

Gene: CDH23 (cadherin related 23; plus strand). Cytogenetic location: 10q22.1.
Variant type: single nucleotide variant.
Coding change: c.5434G>C on transcript NM_022124.6 (MANE Select); coding-DNA position 5434, G replaced by C.
Protein change: p.Glu1812Gln; replaces glutamic acid 1812 with glutamine.
Molecular consequence: missense variant.
Genome position (GRCh38, 1-based): chr10:71,784,352, G>C. VCF-style: chr10-71784352-G-C. GRCh37 (hg19) VCF-style: chr10-73544109-G-C.
Other names: short protein forms E1812Q.
Identifiers: ClinVar variation 2116135 (VCV002116135.4), dbSNP rs2132938160, ClinGen allele CA377144898.

ClinVar aggregate classification (germline): Uncertain significance (1 of 4 stars; one submission).

Submission:

Labcorp Genetics (formerly Invitae), Labcorp
Classification: Uncertain significance. Last evaluated: 2022-03-23. Review status: criteria provided, single submitter. Criteria: Invitae Variant Classification Sherloc (09022015). Collection method: clinical testing. Allele origin: germline.
Comment: Algorithms developed to predict the effect of missense changes on protein structure and function are either unavailable or do not agree on the potential impact of this missense change (SIFT: "Deleterious"; PolyPhen-2: "Not Available"; Align-GVGD: "Class C0"). In summary, the available evidence is currently insufficient to determine the role of this variant in disease. Therefore, it has been classified as a Variant of Uncertain Significance. This variant has not been reported in the literature in individuals affected with CDH23-related conditions. This variant is not present in population databases (gnomAD no frequency). This sequence change replaces glutamic acid, which is acidic and polar, with glutamine, which is neutral and polar, at codon 1812 of the CDH23 protein (p.Glu1812Gln).